The following is an entry in ClinVar:

NM_014425.5(INVS):c.2919C>A (p.Phe973Leu)

Gene: INVS (inversin; plus strand). Cytogenetic location: 9q31.1.
Variant type: single nucleotide variant.
Coding change: c.2919C>A on transcript NM_014425.5 (MANE Select); coding-DNA position 2919, C replaced by A.
Protein change: p.Phe973Leu; replaces phenylalanine 973 with leucine.
Molecular consequence: missense variant. On other transcripts: non-coding transcript variant (1).
Genome position (GRCh38, 1-based): chr9:100,297,049, C>A. VCF-style: chr9-100297049-C-A. GRCh37 (hg19) VCF-style: chr9-103059331-C-A.
Other names: c.2631C>A, p.Phe877Leu (NM_001318381.2); c.1941C>A, p.Phe647Leu (NM_001318382.2); short protein forms F973L, F877L, F647L.
Identifiers: ClinVar variation 1039513 (VCV001039513.7), dbSNP rs374199927, ClinGen allele CA196898119.

ClinVar aggregate classification (germline): Uncertain significance. Review status: criteria provided, multiple submitters, no conflicts (2 of 4 stars). 2 submissions from 2 submitters: Uncertain significance (2). Last evaluated 2024-01-04.

Conditions:
Nephronophthisis. Also called: Juvenile Nephronophthisis. Identifiers: Orphanet 655, MedGen C0687120, MONDO:0019005, HP:0000090.
Infantile nephronophthisis (NPHP2). Also called: Nephronophthisis 2; Nephronophthisis 2, infantile. Identifiers: Orphanet 655, Orphanet 93591, MedGen C1865872, MONDO:0011190, OMIM 602088.

Allele frequency attached by ClinVar (database versions not stated): gnomAD exomes 0.00001; TOPMed 0.00004; gnomAD 0.00005 and 0.00006; ESP Exome Variant Server 0.00008.
gnomAD v4.1: 13 of 1,613,846 alleles (0.00081%); highest among the groups gnomAD compares: African/African-American, 0.017%; no homozygotes.

Submissions (2):

Fulgent Genetics
Classification: Uncertain significance for Infantile nephronophthisis. Last evaluated: 2024-01-04. Review status: criteria provided, single submitter. Criteria: ACMG Guidelines, 2015. Collection method: clinical testing. Allele origin: germline.

Labcorp Genetics (formerly Invitae), Labcorp
Classification: Uncertain significance for Nephronophthisis. Last evaluated: 2022-07-05. Review status: criteria provided, single submitter. Criteria: Invitae Variant Classification Sherloc (09022015). Collection method: clinical testing. Allele origin: germline.
Comment: This sequence change replaces phenylalanine, which is neutral and non-polar, with leucine, which is neutral and non-polar, at codon 973 of the INVS protein (p.Phe973Leu). This variant is present in population databases (rs374199927, gnomAD 0.02%). This variant has not been reported in the literature in individuals affected with INVS-related conditions. ClinVar contains an entry for this variant (Variation ID: 1039513). Algorithms developed to predict the effect of missense changes on protein structure and function output the following: SIFT: "Tolerated"; PolyPhen-2: "Benign"; Align-GVGD: "Class C0". The leucine amino acid residue is found in multiple mammalian species, which suggests that this missense change does not adversely affect protein function. In summary, the available evidence is currently insufficient to determine the role of this variant in disease. Therefore, it has been classified as a Variant of Uncertain Significance.